The following is an entry in ClinVar:

ClinVar aggregate classification (germline): Conflicting classifications of pathogenicity. Review status: criteria provided, conflicting classifications (1 of 4 stars). 4 submissions from 4 submitters: Uncertain significance (3); Likely benign (1). Last evaluated 2026-01-28.

Allele frequency attached by ClinVar (database versions not stated): gnomAD exomes 0.00001; ExAC 0.00002; gnomAD 0.00002; TOPMed 0.00003.
gnomAD v4.1: 25 of 1,613,500 alleles (0.0015%); highest among the groups gnomAD compares: Non-Finnish European, 0.002%; no homozygotes.

Submissions (4):

Labcorp Genetics (formerly Invitae), Labcorp
Classification: Uncertain significance. Last evaluated: 2026-01-28. Review status: criteria provided, single submitter. Criteria: Invitae Variant Classification Sherloc (09022015). Collection method: clinical testing. Allele origin: germline.
Comment: This sequence change replaces alanine, which is neutral and non-polar, with valine, which is neutral and non-polar, at codon 294 of the A2ML1 protein (p.Ala294Val). This variant is present in population databases (rs775772721, gnomAD 0.002%). This variant has not been reported in the literature in individuals affected with A2ML1-related conditions. ClinVar contains an entry for this variant (Variation ID: 996233). An algorithm developed to predict the effect of missense changes on protein structure and function (PolyPhen-2) suggests that this variant is likely to be tolerated. In summary, the available evidence is currently insufficient to determine the role of this variant in disease. Therefore, it has been classified as a Variant of Uncertain Significance.

Ambry Genetics
Classification: Uncertain significance. Last evaluated: 2024-05-19. Review status: criteria provided, single submitter. Criteria: Ambry Variant Classification Scheme 2023. Collection method: clinical testing. Allele origin: germline.
Comment: The p.A294V variant (also known as c.881C>T), located in coding exon 9 of the A2ML1 gene, results from a C to T substitution at nucleotide position 881. The alanine at codon 294 is replaced by valine, an amino acid with similar properties. This amino acid position is conserved. In addition, this alteration is predicted to be tolerated by in silico analysis. Based on the available evidence, the clinical significance of this variant remains unclear.

CeGaT Center for Human Genetics Tuebingen
Classification: Likely benign. Last evaluated: 2022-08-01. Review status: criteria provided, single submitter. Criteria: CeGaT Center For Human Genetics Tuebingen Variant Classification Criteria Version 2. Collection method: clinical testing. Allele origin: germline. Affected: yes. Observed: 1 variant allele.
Comment: A2ML1: BP4

Women's Health and Genetics/Laboratory Corporation of America, LabCorp
Classification: Uncertain significance. Last evaluated: 2021-01-28. Review status: criteria provided, single submitter. Criteria: LabCorp Variant Classification Summary - May 2015. Collection method: clinical testing. Allele origin: germline.
Comment: Variant summary: A2ML1 c.881C>T (p.Ala294Val) results in a non-conservative amino acid change located in the Macroglobulin domain MG3 (IPR041555) of the encoded protein sequence. Four of five in-silico tools predict a benign effect of the variant on protein function. The variant allele was found at a frequency of 8e-06 in 249148 control chromosomes (gnomAD). The available data on variant occurrences in the general population are insufficient to allow any conclusion about variant significance. To our knowledge, no occurrence of c.881C>T in individuals affected with Noonan Syndrome and no experimental evidence demonstrating its impact on protein function have been reported. No clinical diagnostic laboratories have submitted clinical-significance assessments for this variant to ClinVar after 2014. Based on the evidence outlined above, the variant was classified as uncertain significance.

NM_144670.6(A2ML1):c.881C>T (p.Ala294Val)

Gene: A2ML1 (alpha-2-macroglobulin like 1; plus strand). Cytogenetic location: 12p13.31.
Variant type: single nucleotide variant.
Coding change: c.881C>T on transcript NM_144670.6 (MANE Select); coding-DNA position 881, C replaced by T.
Protein change: p.Ala294Val; replaces alanine 294 with valine.
Molecular consequence: missense variant.
Genome position (GRCh38, 1-based): chr12:8,838,361, C>T. VCF-style: chr12-8838361-C-T. GRCh37 (hg19) VCF-style: chr12-8990957-C-T.
Other names: c.881C>T (NM_144670.3); short protein forms A294V.
Identifiers: ClinVar variation 996233 (VCV000996233.29), dbSNP rs775772721, ClinGen allele CA6435468.